The following is an entry in ClinVar:

ClinVar aggregate classification (germline): Conflicting classifications of pathogenicity. Review status: criteria provided, conflicting classifications (1 of 4 stars). 9 submissions from 9 submitters: Uncertain significance (2); Likely benign (6). 1 of the submissions does not count toward it. Last evaluated 2026-01-15.

Conditions:
SOS1-related disorder. Also called: SOS1-related condition.
Noonan syndrome and Noonan-related syndrome. Identifiers: Orphanet 98733, MedGen C5681679, MONDO:0020297.
Cardiovascular phenotype. Identifiers: MedGen CN230736.
RASopathy. Also called: Noonan spectrum disorder; rasopathies. Identifiers: Orphanet 536391, MedGen C5555857, MONDO:0021060.
Noonan syndrome 4 (NS4). Also called: SOS1-Related Noonan Syndrome; NOONAN SYNDROME WITH PIGMENTED VILLONODULAR SYNOVITIS. Identifiers: Orphanet 648, MedGen C1853120, MONDO:0012547, OMIM 610733.

Allele frequency attached by ClinVar (database versions not stated): gnomAD 0.00007; ExAC 0.00002; gnomAD exomes 0.00003; TOPMed 0.00005.
gnomAD v4.1: 117 of 1,613,758 alleles (0.0073%); highest among the groups gnomAD compares: Non-Finnish European, 0.0088%; no homozygotes.

Submissions (9):

Labcorp Genetics (formerly Invitae), Labcorp
Classification: Likely benign for RASopathy. Last evaluated: 2026-01-15. Review status: criteria provided, single submitter. Criteria: Invitae Variant Classification Sherloc (09022015). Collection method: clinical testing. Allele origin: germline.

Laboratory of Genetics, Children's Clinical University Hospital Latvia
Classification: Likely benign. Last evaluated: 2025-02-16. Review status: criteria provided, single submitter. Criteria: ACMG Guidelines, 2015. Collection method: clinical testing. Allele origin: germline. Affected: yes.

St. Jude Molecular Pathology, St. Jude Children's Research Hospital
Classification: Uncertain significance for Noonan syndrome 4. Last evaluated: 2025-02-05. Review status: criteria provided, single submitter. Criteria: St. Jude Assertion Criteria 2020. Collection method: clinical testing. Allele origin: germline.
Comment: The SOS1 c.3729C>G p.(Asp1243Glu) missense change has a maximum subpopulation frequency of 0.01% in gnomAD v2.1.1. The in silico tool REVEL predicts a benign effect on protein function, but to our knowledge this prediction has not been confirmed by functional studies. To our knowledge, this variant has not been reported in individuals with Noonan syndrome. In summary, the evidence currently available is insufficient to determine the clinical significance of this variant. It has therefore been classified as of uncertain significance.

Ambry Genetics
Classification: Uncertain significance for Cardiovascular phenotype. Last evaluated: 2024-12-17. Review status: criteria provided, single submitter. Criteria: Ambry Variant Classification Scheme 2023. Collection method: clinical testing. Allele origin: germline.
Comment: The p.D1243E variant (also known as c.3729C>G), located in coding exon 23 of the SOS1 gene, results from a C to G substitution at nucleotide position 3729. The aspartic acid at codon 1243 is replaced by glutamic acid, an amino acid with highly similar properties. This alteration has been reported in a prenatal subject with cystic hygroma (Leach NT et al. Genet Med, 2019 02;21:417-425). This amino acid position is not well conserved in available vertebrate species, and glutamic acid is the reference amino acid in other vertebrate species. In addition, this alteration is predicted to be tolerated by in silico analysis. Since supporting evidence is limited at this time, the clinical significance of this alteration remains unclear.

Women's Health and Genetics/Laboratory Corporation of America, LabCorp
Classification: Likely benign. Last evaluated: 2024-02-15. Review status: criteria provided, single submitter. Criteria: LabCorp Variant Classification Summary - May 2015. Collection method: clinical testing. Allele origin: germline.
Comment: Variant summary: SOS1 c.3729C>G (p.Asp1243Glu) results in a conservative amino acid change in the encoded protein sequence. Five of five in-silico tools predict a benign effect of the variant on protein function. The variant allele was found at a frequency of 7.3e-05 in 1613758 control chromosomes (gnomAD). The observed variant frequency is approximately 2.4 fold of the estimated maximal expected allele frequency for a pathogenic variant in SOS1 causing Noonan Syndrome And Related Conditions phenotype (3e-05), strongly suggesting that the variant is benign. c.3729C>G has been reported in the literature in a prenatal sample with cystic hygroma without strong evidence for causality (Leach_2019). This report does not provide unequivocal conclusions about association of the variant with Noonan Syndrome And Related Conditions. To our knowledge, no experimental evidence demonstrating an impact on protein function has been reported. The following publication has been ascertained in the context of this evaluation (PMID: 29907801). ClinVar contains an entry for this variant (Variation ID: 40734). Based on the evidence outlined above, the variant was classified as likely benign.

Blueprint Genetics
Classification: Likely benign. Last evaluated: 2023-10-11. Review status: criteria provided, single submitter. Criteria: ACMG Guidelines, 2015. Collection method: clinical testing. Allele origin: germline.

GeneDx
Classification: Likely benign. Last evaluated: 2020-12-29. Review status: criteria provided, single submitter. Criteria: GeneDx Variant Classification Process June 2021. Collection method: clinical testing. Allele origin: germline. Affected: yes.
Comment: This variant is associated with the following publications: (PMID: 30050098, 29907801)

Genome Diagnostics Laboratory, The Hospital for Sick Children
Classification: Likely benign for Noonan syndrome and Noonan-related syndrome. Last evaluated: 2016-12-12. Review status: criteria provided, single submitter. Criteria: ACMG Guidelines, 2015. Collection method: clinical testing. Allele origin: germline.

PreventionGenetics, part of Exact Sciences
Classification: Uncertain significance for SOS1-related condition. Last evaluated: 2024-05-21. Review status: no assertion criteria provided. Collection method: clinical testing. Allele origin: germline. Not counted in ClinVar's aggregate classification.
Comment: The SOS1 c.3729C>G variant is predicted to result in the amino acid substitution p.Asp1243Glu. This variant has been reported in a fetus with cystic hygroma; however, the authors suspected the variant was possibly benign (Table S2, Leach et al. 2019. PubMed ID: 29907801). This variant is reported in 0.010% of alleles in individuals of European (Non-Finnish) descent in gnomAD, which may be too common to be pathogenic (Gelb et al. 2018. PubMed ID 29493581). Although we suspect that this variant may be benign, at this time, the clinical significance of this variant is uncertain due to the absence of conclusive functional and genetic evidence.

Literature cited by the submitters: PubMed 29907801 (cited by Ambry Genetics and Women's Health and Genetics/Laboratory Corporation of America, LabCorp).

NM_005633.4(SOS1):c.3729C>G (p.Asp1243Glu)

Gene: SOS1 (SOS Ras/Rac guanine nucleotide exchange factor 1; minus strand). Cytogenetic location: 2p22.1.
Variant type: single nucleotide variant.
Coding change: c.3729C>G on transcript NM_005633.4 (MANE Select); coding-DNA position 3729, C replaced by G.
Protein change: p.Asp1243Glu; replaces aspartic acid 1243 with glutamic acid.
Molecular consequence: missense variant.
Genome position (GRCh38, 1-based): chr2:38,986,097, G>C on the plus strand (C>G on the coding strand, the complement: SOS1 is on the minus strand). VCF-style: chr2-38986097-G-C. GRCh37 (hg19) VCF-style: chr2-39213238-G-C.
Other names: p.D1243E:GAC>GAG; c.3708C>G, p.Asp1236Glu (NM_001382394.1); c.3684C>G, p.Asp1228Glu (NM_001382395.1); short protein forms D1243E, D1228E, D1236E.
Identifiers: ClinVar variation 40734 (VCV000040734.21), dbSNP rs730881026, ClinGen allele CA297196.
Genomic context (GRCh38, chr2:38,986,097, plus strand): 5'-TGTTTGAGGAGGAGGTGGTGTAAAGGGGGAAGGGCTGTTTGGGAAGAAGGCATTGCCATG[G>C]TCACTTTTTTTGCCCAAAGGGGGAGGTTGGAGATGTAGTGGTGAGCTTGAGAAAACATCA-3'
Protein context (NP_005624.2, residues 1233-1253): LQPPPLGKKS[Asp1243Glu]HGNAFFPNSP